The following is an entry in ClinVar:

NM_015158.5(KANK1):c.3360C>T (p.His1120=)

Genes: KANK1 (KN motif and ankyrin repeat domains 1; plus strand), LOC126860554 (MED14-independent group 3 enhancer GRCh37_chr9:737889-739088; plus strand). Cytogenetic location: 9p24.3.
Variant type: single nucleotide variant.
Coding change: c.3360C>T on transcript NM_015158.5 (MANE Select); coding-DNA position 3360, C replaced by T.
Protein change: p.His1120=; no amino-acid change (histidine 1120 retained).
Molecular consequence: synonymous variant. On other transcripts: non-coding transcript variant (1).
Genome position (GRCh38, 1-based): chr9:738,311, C>T. VCF-style: chr9-738311-C-T. GRCh37 (hg19) VCF-style: chr9-738311-C-T.
Other names: c.3360C>T, p.His1120= (NM_001256876.3, NM_001256877.3, NM_001354334.2); c.3120C>T, p.His1040= (NM_001354331.2); c.3306C>T, p.His1102= (NM_001354332.2); c.2886C>T, p.His962= (NM_001354333.2, NM_001354335.2, NM_001354337.2 and 2 more transcripts); c.2592C>T, p.His864= (NM_001354336.2); c.2832C>T, p.His944= (NM_001354338.2, NM_001354340.2, NM_001354344.2); c.2646C>T, p.His882= (NM_001354339.2, NM_001354342.2, NM_001354343.2).
Identifiers: ClinVar variation 3604239 (VCV003604239.8).

ClinVar aggregate classification (germline): Likely benign. Review status: criteria provided, multiple submitters, no conflicts (2 of 4 stars). 2 submissions from 2 submitters: Likely benign (2). Last evaluated 2025-11-01.

gnomAD v4.1: 43 of 1,613,630 alleles (0.0027%); highest among the groups gnomAD compares: South Asian, 0.014%; no homozygotes.

Submissions (2):

CeGaT Center for Human Genetics Tuebingen
Classification: Likely benign. Last evaluated: 2025-11-01. Review status: criteria provided, single submitter. Criteria: CeGaT Center For Human Genetics Tuebingen Variant Classification Criteria Version 2. Collection method: clinical testing. Allele origin: germline. Affected: yes. Observed: 1 variant allele.
Comment: KANK1: BP4, BP7

Labcorp Genetics (formerly Invitae), Labcorp
Classification: Likely benign. Last evaluated: 2024-10-31. Review status: criteria provided, single submitter. Criteria: Invitae Variant Classification Sherloc (09022015). Collection method: clinical testing. Allele origin: germline.